The following is an entry in ClinVar:

ClinVar aggregate classification (germline): Uncertain significance (1 of 4 stars; one submission).

Allele frequency attached by ClinVar (database versions not stated): TOPMed below 0.00001; gnomAD 0.00001.
gnomAD v4.1: 1 of 1,572,212 alleles (0.000064%); highest among the groups gnomAD compares: African/African-American, 0.0014%; no homozygotes.

Submission:

Labcorp Genetics (formerly Invitae), Labcorp
Classification: Uncertain significance. Last evaluated: 2022-08-19. Review status: criteria provided, single submitter. Criteria: Invitae Variant Classification Sherloc (09022015). Collection method: clinical testing. Allele origin: germline.
Comment: Algorithms developed to predict the effect of missense changes on protein structure and function (SIFT, PolyPhen-2, Align-GVGD) all suggest that this variant is likely to be tolerated. In summary, the available evidence is currently insufficient to determine the role of this variant in disease. Therefore, it has been classified as a Variant of Uncertain Significance. This variant has not been reported in the literature in individuals affected with FAM20C-related conditions. This variant is not present in population databases (gnomAD no frequency). This sequence change replaces methionine, which is neutral and non-polar, with valine, which is neutral and non-polar, at codon 263 of the FAM20C protein (p.Met263Val).

NM_020223.4(FAM20C):c.787A>G (p.Met263Val)

Gene: FAM20C (FAM20C golgi associated secretory pathway kinase; plus strand). Cytogenetic location: 7p22.3.
Variant type: single nucleotide variant.
Coding change: c.787A>G on transcript NM_020223.4 (MANE Select); coding-DNA position 787, A replaced by G.
Protein change: p.Met263Val; replaces methionine 263 with valine.
Molecular consequence: missense variant.
Genome position (GRCh38, 1-based): chr7:208,900, A>G. VCF-style: chr7-208900-A-G. GRCh37 (hg19) VCF-style: chr7-208900-A-G.
Other names: short protein forms M263V.
Identifiers: ClinVar variation 2185321 (VCV002185321.4), dbSNP rs980809082, ClinGen allele CA152235891.